The following is an entry in ClinVar:

ClinVar aggregate classification (germline): Conflicting classifications of pathogenicity. Review status: criteria provided, conflicting classifications (1 of 4 stars). 5 submissions from 5 submitters: Uncertain significance (1); Benign (1); Likely benign (2). 1 of the submissions does not count toward it. Last evaluated 2026-01-26.

Conditions:
Nephronophthisis. Also called: Juvenile Nephronophthisis. Identifiers: Orphanet 655, MedGen C0687120, MONDO:0019005, HP:0000090.
NPHP3-related disorder. Also called: NPHP3-related disorders; NPHP3-related condition. Identifiers: MedGen CN379163.

Allele frequency attached by ClinVar (database versions not stated): gnomAD 0.00002 and 0.00010; TOPMed 0.00002; gnomAD exomes 0.00014 and 0.00033; 1000 Genomes Project 30x 0.00031; ExAC 0.00038; 1000 Genomes Project 0.00040.
gnomAD v4.1: 214 of 1,614,078 alleles (0.013%); highest among the groups gnomAD compares: South Asian, 0.22%; no homozygotes.

Submissions (5):

Labcorp Genetics (formerly Invitae), Labcorp
Classification: Benign for Nephronophthisis. Last evaluated: 2026-01-26. Review status: criteria provided, single submitter. Criteria: Invitae Variant Classification Sherloc (09022015). Collection method: clinical testing. Allele origin: germline.

Blueprint Genetics
Classification: Likely benign. Last evaluated: 2024-09-05. Review status: criteria provided, single submitter. Criteria: ACMG Guidelines, 2015. Collection method: clinical testing. Allele origin: germline.

CeGaT Center for Human Genetics Tuebingen
Classification: Likely benign. Last evaluated: 2023-02-01. Review status: criteria provided, single submitter. Criteria: CeGaT Center For Human Genetics Tuebingen Variant Classification Criteria Version 2. Collection method: clinical testing. Allele origin: germline. Affected: yes. Observed: 1 variant allele.
Comment: NPHP3: BP4, BP7

Eurofins Ntd Llc (ga)
Classification: Uncertain significance. Last evaluated: 2018-07-30. Review status: criteria provided, single submitter. Criteria: EGL ClinVar v180209 classification definitions. Collection method: clinical testing. Allele origin: germline. Observed: 2 variant alleles, 2 heterozygotes.

PreventionGenetics, part of Exact Sciences
Classification: Likely benign for NPHP3-related condition. Last evaluated: 2023-05-08. Review status: no assertion criteria provided. Collection method: clinical testing. Allele origin: germline. Not counted in ClinVar's aggregate classification.
Comment: This variant is classified as likely benign based on ACMG/AMP sequence variant interpretation guidelines (Richards et al. 2015 PMID: 25741868, with internal and published modifications).

NM_153240.5(NPHP3):c.1357C>T (p.Leu453=)

Genes: NPHP3 (nephrocystin 3; minus strand), NPHP3-ACAD11 (NPHP3-ACAD11 readthrough (NMD candidate); minus strand). Cytogenetic location: 3q22.1.
Variant type: single nucleotide variant.
Coding change: c.1357C>T on transcript NM_153240.5 (MANE Select); coding-DNA position 1357, C replaced by T.
Protein change: p.Leu453=; no amino-acid change (leucine 453 retained).
Molecular consequence: synonymous variant. On other transcripts: non-coding transcript variant (1).
Genome position (GRCh38, 1-based): chr3:132,704,365, G>A on the plus strand (C>T on the coding strand, the complement: NPHP3 is on the minus strand). VCF-style: chr3-132704365-G-A. GRCh37 (hg19) VCF-style: chr3-132423209-G-A.
Other names: c.1357C>T (NM_153240.4).
Identifiers: ClinVar variation 594056 (VCV000594056.39), dbSNP rs535110862, ClinGen allele CA2622315.